The following is an entry in ClinVar:

NM_020680.4(SCYL1):c.1043AGA[1] (p.Lys349del)

Gene: SCYL1 (SCY1 like pseudokinase 1; plus strand). Cytogenetic location: 11q13.1.
Variant type: Microsatellite.
Coding change: c.1043AGA[1] on transcript NM_020680.4 (MANE Select); one copy of the 3-base unit AGA starting at c.1043; the reference has two copies in a row; one copy, 3 bases deleted; also written c.1046_1048del.
Protein change: p.Lys349del; deletes lysine 349.
Molecular consequence: inframe deletion.
Genome position (GRCh38, 1-based): chr11:65,531,613-65,531,615, AGA deleted; deleting any 3 consecutive bases within chr11:65,531,610-65,531,615 gives the same sequence; the position shown is the placement nearest the transcript's 3' end. VCF-style (leftmost placement, unchanged base first): chr11-65531609-CAGA-C. GRCh37 (hg19) VCF-style: chr11-65299080-CAGA-C.
Other names: p.Lys349del; c.1043AGA[1], p.Lys349del (NM_001048218.2, NM_001411022.1); c.1046_1048del (NM_020680.4); short protein forms K349del.
Identifiers: ClinVar variation 2754097 (VCV002754097.5), dbSNP rs562945480, ClinGen allele CA6099687.

ClinVar aggregate classification (germline): Uncertain significance. Review status: criteria provided, multiple submitters, no conflicts (2 of 4 stars). 3 submissions from 3 submitters: Uncertain significance (3). Last evaluated 2025-12-13.

Submissions (3):

Labcorp Genetics (formerly Invitae), Labcorp
Classification: Uncertain significance. Last evaluated: 2025-12-13. Review status: criteria provided, single submitter. Criteria: Invitae Variant Classification Sherloc (09022015). Collection method: clinical testing. Allele origin: germline.
Comment: This variant, c.1046_1048del, results in the deletion of 1 amino acid(s) of the SCYL1 protein (p.Lys349del), but otherwise preserves the integrity of the reading frame. This variant is present in population databases (rs562945480, gnomAD 0.1%), and has an allele count higher than expected for a pathogenic variant. This variant has not been reported in the literature in individuals affected with SCYL1-related conditions. Experimental studies and prediction algorithms are not available or were not evaluated, and the functional significance of this variant is currently unknown. In summary, the available evidence is currently insufficient to determine the role of this variant in disease. Therefore, it has been classified as a Variant of Uncertain Significance.

Mayo Clinic Laboratories, Mayo Clinic
Classification: Uncertain significance. Last evaluated: 2025-07-10. Review status: criteria provided, single submitter. Criteria: ACMG Guidelines, 2015. Collection method: clinical testing. Allele origin: germline. Observed: 4 variant alleles.
Comment: BS1, PM4

Blueprint Genetics
Classification: Uncertain significance. Last evaluated: 2024-10-03. Review status: criteria provided, single submitter. Criteria: ACMG Guidelines, 2015. Collection method: clinical testing. Allele origin: germline.